The following is an entry in ClinVar:

ClinVar aggregate classification (germline): Benign (1 of 4 stars; one submission).

Conditions:
Leigh syndrome (NULS). Also called: Leigh's necrotizing encephalopathy; Leigh's disease; Leigh Syndrome (mtDNA deletion); Leigh Disease; Subacute necrotizing encephalopathy; Necrotizing encephalopathy infantile subacute of Leigh. Identifiers: Orphanet 506, MedGen C2931891, MONDO:0009723, OMIM 256000.

Submission:

Wong Mito Lab, Molecular and Human Genetics, Baylor College of Medicine
Classification: Benign for Leigh syndrome. Last evaluated: 2019-10-17. Review status: criteria provided, single submitter. Criteria: Modified ACMG Guidelines (Unpublished). Collection method: clinical testing. Allele origin: germline.
Comment: The NC_012920.1:m.11204T>C (YP_003024035.1:p.Phe149Leu) variant in MTND4 gene is interpretated to be a Benign variant based on the modified ACMG guidelines (unpublished). This variant meets the following evidence codes: BS1, BS2, BP4

NC_012920.1(MT-ND4):m.11204T>C

Gene: MT-ND4 (mitochondrially encoded NADH dehydrogenase 4; plus strand).
Variant type: single nucleotide variant.
Genome position: chrM-11204-T-C.
Identifiers: ClinVar variation 693352 (VCV000693352.1), dbSNP rs201803443, ClinGen allele CA337099117.